The following is an entry in ClinVar:

ClinVar aggregate classification (germline): Uncertain significance (1 of 4 stars; one submission).

Allele frequency attached by ClinVar (database versions not stated): gnomAD exomes below 0.00001.
gnomAD v4.1: 2 of 1,613,750 alleles (0.00012%); highest among the groups gnomAD compares: Admixed American, 0.0033%; no homozygotes.

Submission:

Labcorp Genetics (formerly Invitae), Labcorp
Classification: Uncertain significance. Last evaluated: 2025-12-16. Review status: criteria provided, single submitter. Criteria: Invitae Variant Classification Sherloc (09022015). Collection method: clinical testing. Allele origin: germline.
Comment: This sequence change replaces glutamine, which is neutral and polar, with lysine, which is basic and polar, at codon 1601 of the HMCN1 protein (p.Gln1601Lys). This variant is not present in population databases (gnomAD no frequency). This missense change has been observed in individual(s) with retinitis pigmentosa (internal data). ClinVar contains an entry for this variant (Variation ID: 1427953). An algorithm developed to predict the effect of missense changes on protein structure and function (PolyPhen-2) suggests that this variant is likely to be disruptive. In summary, the available evidence is currently insufficient to determine the role of this variant in disease. Therefore, it has been classified as a Variant of Uncertain Significance.

NM_031935.3(HMCN1):c.4801C>A (p.Gln1601Lys)

Gene: HMCN1 (hemicentin 1; plus strand). Cytogenetic location: 1q31.1.
Variant type: single nucleotide variant.
Coding change: c.4801C>A on transcript NM_031935.3 (MANE Select); coding-DNA position 4801, C replaced by A.
Protein change: p.Gln1601Lys; replaces glutamine 1601 with lysine.
Molecular consequence: missense variant.
Genome position (GRCh38, 1-based): chr1:186,015,329, C>A. VCF-style: chr1-186015329-C-A. GRCh37 (hg19) VCF-style: chr1-185984461-C-A.
Other names: short protein forms Q1601K.
Identifiers: ClinVar variation 1427953 (VCV001427953.6), dbSNP rs921020423, ClinGen allele CA33453628.
Genomic context (GRCh38, chr1:186,015,329, plus strand): 5'-TGGTATAAGGACGGGCAGCCAATCATGTCCAGCTCACAAGCACTTTATATTGATAAAGGA[C>A]AATATCTTCATATTCCTCGAGCACAGGTCTCTGATTCAGCAACATATACGTGTCATGTAG-3'
Protein context (NP_114141.2, residues 1591-1611): SSQALYIDKG[Gln1601Lys]YLHIPRAQVS